The following is an entry in ClinVar:

ClinVar aggregate classification (germline): Pathogenic (1 of 4 stars; one submission).

Conditions:
Myopathy, lactic acidosis, and sideroblastic anemia 1 (MLASA1). Identifiers: Orphanet 2598, MedGen C4551958, MONDO:0024553, OMIM 600462.

Submission:

Myriad Genetics, Inc.
Classification: Pathogenic for Myopathy, lactic acidosis, and sideroblastic anemia 1. Last evaluated: 2026-01-29. Review status: criteria provided, single submitter. Criteria: Myriad Autosomal Dominant, Autosomal Recessive and X-Linked Classification Criteria (2023). Collection method: clinical testing. Allele origin: unknown.
Comment: NM_025215.5(PUS1):c.746_752del7(T249Rfs*31) is a frameshift variant classified as pathogenic in the context of myopathy, lactic acidosis, and sideroblastic anemia 1. T249Rfs*31 has not been observed in cases with relevant disease. Relevant functional assessments of this variant are not available in the literature. T249Rfs*31 has not been observed in referenced population frequency databases. In summary, NM_025215.5(PUS1):c.746_752del7(T249Rfs*31) is a frameshift variant in a gene where loss of function is a known mechanism of disease and is predicted to disrupt protein function. Please note: this variant was assessed in the context of healthy population screening.

NM_025215.6(PUS1):c.746_752del (p.Thr249fs)

Gene: PUS1 (pseudouridine synthase 1; plus strand). Cytogenetic location: 12q24.33.
Variant type: Deletion.
Coding change: c.746_752del on transcript NM_025215.6 (MANE Select); coding-DNA positions 746 to 752, 7 bases deleted (CCTCGCA; older notation c.746_752delCCTCGCA).
Protein change: p.Thr249fs; shifts the reading frame from threonine 249.
Molecular consequence: frameshift variant.
Genome position (GRCh38, 1-based): chr12:131,941,493-131,941,499, CCTCGCA deleted; deleting any 7 consecutive bases within chr12:131,941,491-131,941,499 gives the same sequence; the c. name uses the placement nearest the transcript's 3' end. VCF-style (leftmost placement, unchanged base first): chr12-131941490-TCACCTCG-T. GRCh37 (hg19) VCF-style: chr12-132426035-TCACCTCG-T.
Other names: c.662_668del, p.Thr221fs (NM_001002019.3, NM_001002020.3); short protein forms T221fs, T249fs.
Identifiers: ClinVar variation 5004435 (VCV005004435.1).